The following is an entry in ClinVar:

ClinVar aggregate classification (germline): Conflicting classifications of pathogenicity. Review status: criteria provided, conflicting classifications (1 of 4 stars). 6 submissions from 6 submitters: Likely pathogenic (1); Uncertain significance (5). Last evaluated 2025-10-14.

Conditions:
Hereditary cancer-predisposing syndrome. Also called: Hereditary Cancer Syndrome; Neoplastic Syndromes, Hereditary; Tumor predisposition; Hereditary neoplastic syndrome. Identifiers: Orphanet 140162, MedGen C0027672, MeSH D009386, MONDO:0015356.
Hereditary breast ovarian cancer syndrome. Also called: Hereditary breast and ovarian cancer; Hereditary breast and ovarian cancer syndrome; Breast and ovarian cancer; Hereditary breast and ovarian cancer syndrome (HBOC); Hereditary breast and/or ovarian cancer syndrome; BRCA1- and BRCA2-Associated Hereditary Breast and Ovarian Cancer. Identifiers: Orphanet 145, MedGen C0677776, MeSH D061325, MONDO:0003582. Disease mechanism: loss of function.
Breast-ovarian cancer, familial, susceptibility to, 2 (BROVCA2). Also called: BRCA2 Hereditary Breast and Ovarian Cancer. Identifiers: Orphanet 145, MedGen C2675520, MONDO:0012933, OMIM 612555. Disease mechanism: loss of function.

Allele frequency attached by ClinVar (database versions not stated): gnomAD exomes below 0.00001; ExAC 0.00001.
gnomAD v4.1: 2 of 1,610,836 alleles (0.00012%); highest among the groups gnomAD compares: Non-Finnish European, 0.00017%; no homozygotes.

Submissions (6):

Labcorp Genetics (formerly Invitae), Labcorp
Classification: Uncertain significance for Hereditary breast ovarian cancer syndrome. Last evaluated: 2025-10-14. Review status: criteria provided, single submitter. Criteria: Invitae Variant Classification Sherloc (09022015). Collection method: clinical testing. Allele origin: germline.
Comment: This sequence change affects an acceptor splice site in intron 2 of the BRCA2 gene. RNA analysis indicates that disruption of this splice site induces altered splicing and likely results in the loss of 2 amino acid residue(s), but is expected to preserve the integrity of the reading-frame. This variant is present in population databases (rs769152395, gnomAD 0.0009%). Disruption of this splice site has been observed in individual(s) undergoing genetic testing. An analysis comparing the clinical and personal history of variant carriers with that of carriers of known benign or pathogenic variants showed inconclusive results for this variant (PMID: 33469799). ClinVar contains an entry for this variant (Variation ID: 187538). Algorithms developed to predict the effect of variants on gene product structure and function are not available or were not evaluated for this variant. Experimental studies have shown that disruption of this splice site does not substantially affect BRCA2 function (PMID: 35979650). Studies have shown that disruption of this splice site results in the activation of a cryptic splice site in exon 3 (PMID: 33469799; internal data). In summary, the available evidence is currently insufficient to determine the role of this variant in disease. Therefore, it has been classified as a Variant of Uncertain Significance.

Ambry Genetics
Classification: Uncertain significance for Hereditary cancer-predisposing syndrome. Last evaluated: 2025-08-07. Review status: criteria provided, single submitter. Criteria: Ambry Variant Classification Scheme 2023. Collection method: clinical testing. Allele origin: germline.
Comment: The c.68-2A>G intronic variant results from an A to G substitution two nucleotides before coding exon 2 of the BRCA2 gene. This nucleotide position is highly conserved in available vertebrate species. In silico splice site analysis predicts that this alteration will weaken the native splice acceptor site and will result in the creation or strengthening of a novel splice acceptor site. RNA studies have demonstrated that this alteration results in substantial expression of multiple abnormal transcripts including a splice variant which is predicted to result in an in-frame loss of two amino acids as well as one that results in skipping of coding exon 2 (also known as exon 3 in the literature) (Ambry internal data; Nix P et al. Fam Cancer, 2021 Jan; personal communication). The loss of coding exon 2 of is strongly associated with hereditary breast and ovarian cancer phenotype based on multifactorial analysis (Caputo SM et al. Oncotarget, 2018 Apr;9:17334-17348); however the functional and clinical impact of the small in-frame loss is unknown. Downstream functional studies showed that this alteration was able to rescue the growth defect in BRCA2-null mouse embryonic stem cells and that these surviving cells maintained partial activity in a homology directed DNA repair assay (personal communication). This alteration is also identified in patients who collectively have a phenotype that is not consistent with a high risk BRCA2 pathogenic variant (Nix P et al. Fam Cancer, 2021 Jan). Based on the available evidence, the clinical significance of this variant remains unclear. It cannot yet be ruled out that this variant may be hypomorphic and present with reduced risks and/or biallelic phenotype.

Women's Health and Genetics/Laboratory Corporation of America, LabCorp
Classification: Uncertain significance. Last evaluated: 2024-12-03. Review status: criteria provided, single submitter. Criteria: LabCorp Variant Classification Summary - May 2015. Collection method: clinical testing. Allele origin: germline.
Comment: Variant summary: BRCA2 c.68-2A>G is located in a canonical splice-site and is predicted to affect mRNA splicing resulting in a significantly altered protein due to either exon skipping, shortening, or inclusion of intronic material. Variants that disrupt the consensus splice site are a relatively common cause of aberrant splicing and loss of BRCA2 function. Several computational tools predict a significant impact on normal splicing: Four predict the variant abolishes the canonical 3' splicing acceptor site. Two recently published studies report an impact on splicing resulting in a small in-frame transcript as the predominant transcript, while also detecting an in-frame exon 3 deletion (Thomassen_2022, Nix_2022). This finding is consistent with in-house RNA analysis performed at our laboratory demonstrating an activation of a cryptic acceptor 6 nucleotides downstream of the natural splice site resulting in the in-frame-deletion of 2 amino acids (internal data). The variant allele was found at a frequency of 4e-06 in 247642 control chromosomes. The available data on variant occurrences in the general population are insufficient to allow any conclusion about variant significance. c.68-2A>G has been reported in the literature in individuals undergoing multigene-panel testing at a commercial laboratory (example, Thomassen_2022). These report(s) do not provide unequivocal conclusions about association of the variant with Hereditary Breast And Ovarian Cancer Syndrome. At least one publication reports experimental evidence evaluating an impact on protein function. The most pronounced variant effect results in good complementation in the mESC (mouse embryonic stem cells) assay and homology directed repair (HDR) activity 70% (Thomassen_2022). The following publications have been ascertained in the context of this evaluation (PMID: 29922827, 33469799, 35979650, 32641407). ClinVar contains an entry for this variant (Variation ID: 187538). Based on the evidence outlined above, the variant was classified as uncertain significance.

All of Us Research Program, National Institutes of Health
Classification: Uncertain significance for Breast-ovarian cancer, familial, susceptibility to, 2. Last evaluated: 2023-05-04. Review status: criteria provided, single submitter. Criteria: ACMG Guidelines, 2015. Collection method: clinical testing. Allele origin: germline. Inheritance: Autosomal dominant inheritance. Observed: 1 variant allele, 1 heterozygote.
Comment: This study involves interpretation of variants in research participants for the purpose of population health screening. Participant phenotype was not available at the time of variant classification. Additional details can be found in publication PMID: 35346344, PMCID: PMC8962531

Color Diagnostics, LLC DBA Color Health
Classification: Uncertain significance for Hereditary cancer-predisposing syndrome. Last evaluated: 2022-09-02. Review status: criteria provided, single submitter. Criteria: ACMG Guidelines, 2015. Collection method: clinical testing. Allele origin: germline.
Comment: This variant causes an A to G nucleotide substitution at the -2 position of intron 2 of the BRCA2 gene. Splice site prediction tools indicate that this variant may have a significant impact on RNA splicing. RNA studies have confirmed that the variant disrupts splicing of the full-length transcript, however, the predominant product is a 6-basepair deletion in exon 3, resulting in the in-frame deletion of two amino acids p.Asp23_Leu24del, and an increase in the skipping of exon 3 (PMID: 33469799, 35979650; ClinVar accession ID: SCV000218118.6, SCV000831230.5). Functional studies have reported that this variant does not impact BRCA2 function in the complementation of Brca2-deficient mouse embryonic stem cells and in a homology-directed repair assay (PMID: 35979650). A carrier health history analysis for this variant compared against known benign and pathogenic variant carriers has reported that the pathogenicity of this variant was inconclusive but trending towards benign (PMID: 33469799). While a multifactorial analysis has reported likelihood ratios for pathogenicity based on tumor pathology, segregation and family history of 0.57, 0.28 and 0.79, respectively (PMID: 35979650). This variant has been identified in 1/247642 chromosomes in the general population by the Genome Aggregation Database (gnomAD). The available evidence is insufficient to determine the role of this variant in disease conclusively. Therefore, this variant is classified as a Variant of Uncertain Significance.

Mendelics
Classification: Likely pathogenic for Breast-ovarian cancer, familial, susceptibility to, 2. Last evaluated: 2019-05-28. Review status: criteria provided, single submitter. Criteria: Mendelics Assertion Criteria 2017. Collection method: clinical testing. Allele origin: unknown.

Literature cited by the submitters: PubMed 33469799 (cited by 3 submitters); PubMed 35979650 (cited by 3 submitters); PubMed 29922827 (cited by Women's Health and Genetics/Laboratory Corporation of America, LabCorp); PubMed 32641407 (cited by Women's Health and Genetics/Laboratory Corporation of America, LabCorp).

NM_000059.4(BRCA2):c.68-2A>G

Gene: BRCA2 (BRCA2 DNA repair associated; plus strand). Cytogenetic location: 13q13.1.
Variant type: single nucleotide variant.
Coding change: c.68-2A>G on transcript NM_000059.4 (MANE Select); the canonical splice acceptor site of the intron before coding-DNA position 68, A replaced by G.
Molecular consequence: splice acceptor variant.
Genome position (GRCh38, 1-based): chr13:32,319,075, A>G. VCF-style: chr13-32319075-A-G. GRCh37 (hg19) VCF-style: chr13-32893212-A-G.
Other names: c.68-2A>G (NM_001406720.1, NM_001406719.1, NM_001406721.1); c.-302-2A>G (NM_001406722.1).
Identifiers: ClinVar variation 187538 (VCV000187538.25), dbSNP rs769152395, ClinGen allele CA024472.
Genomic context (GRCh38, chr13:32,319,075, plus strand): 5'-TTCTGGGTCACAAATTTGTCTGTCACTGGTTAAAACTAAGGTGGGATTTTTTTTTTAAAT[A>G]GATTTAGGACCAATAAGTCTTAATTGGTTTGAAGAACTTTCTTCAGAAGCTCCACCCTAT-3'